The following is an entry in ClinVar:

NM_001130987.2(DYSF):c.1465G>T (p.Glu489Ter)

Gene: DYSF (dysferlin; plus strand). Cytogenetic location: 2p13.2.
Variant type: single nucleotide variant.
Coding change: c.1465G>T on transcript NM_001130987.2 (MANE Select); coding-DNA position 1465, G replaced by T.
Protein change: p.Glu489Ter; replaces glutamic acid 489 with a stop codon.
Molecular consequence: nonsense.
Genome position (GRCh38, 1-based): chr2:71,535,283, G>T. VCF-style: chr2-71535283-G-T. GRCh37 (hg19) VCF-style: chr2-71762413-G-T.
Other names: c.1372G>T, p.Glu458Ter (NM_001130455.2, NM_001130983.2, NM_001130984.2 and 1 more transcripts); c.1369G>T, p.Glu457Ter (NM_001130976.2, NM_001130977.2, NM_001130978.2 and 1 more transcripts); c.1462G>T, p.Glu488Ter (NM_001130979.2, NM_001130980.2, NM_001130981.2); c.1465G>T, p.Glu489Ter (NM_001130982.2, NM_001130985.2); short protein forms E457*, E458*, E488*, E489*.
Identifiers: ClinVar variation 5015837 (VCV005015837.1).
Genomic context (GRCh38, chr2:71,535,283, plus strand): 5'-CTTCAAAAGGACTCTTCTCCCAACACGCCTCTATTCCTTCCTCAGTTTCCCTCCATGTGC[G>T]AAAAAATGAGGATTCGTATCATAGACTGGTGAGTTCTGAGTCTTGGAGTCTTTAGGGCGG-3'

ClinVar aggregate classification (germline): Pathogenic (1 of 4 stars; one submission).

Conditions:
Autosomal recessive limb-girdle muscular dystrophy. Identifiers: Orphanet 102015, MedGen C2931907, MONDO:0015152.

Submission:

Myriad Genetics, Inc.
Classification: Pathogenic for Autosomal recessive limb-girdle muscular dystrophy. Last evaluated: 2026-04-28. Review status: criteria provided, single submitter. Criteria: Myriad Autosomal Dominant, Autosomal Recessive and X-Linked Classification Criteria (2023). Collection method: clinical testing. Allele origin: unknown.
Comment: NM_003494.3(DYSF):c.1369G>T(E457*) is expected to be pathogenic in the context of dysferlinopathy. This variant is predicted to lead to an abnormal or absent protein product due to the creation of a premature termination codon in DYSF, a gene where loss-of-function variants are known to be pathogenic. Please note: this variant was assessed in the context of healthy population screening.